The following is an entry in ClinVar:

ClinVar aggregate classification (germline): Uncertain significance. Review status: criteria provided, multiple submitters, no conflicts (2 of 4 stars). 3 submissions from 3 submitters: Uncertain significance (2). 1 of the submissions does not count toward it. Last evaluated 2022-09-13.

Conditions:
Very long chain acyl-CoA dehydrogenase deficiency (ACADVLD). Also called: Very Long-Chain Acyl-Coenzyme A Dehydrogenase Deficiency; VLCAD Deficiency. Identifiers: Orphanet 26793, MedGen C3887523, MONDO:0008723, OMIM 201475.

Allele frequency attached by ClinVar (database versions not stated): gnomAD exomes below 0.00001 and 0.00001; TOPMed below 0.00001; ESP Exome Variant Server 0.00008.
gnomAD v4.1: 4 of 1,614,058 alleles (0.00025%); highest among the groups gnomAD compares: Admixed American, 0.0017%; no homozygotes.

Submissions (3):

Labcorp Genetics (formerly Invitae), Labcorp
Classification: Uncertain significance for Very long chain acyl-CoA dehydrogenase deficiency. Last evaluated: 2022-09-13. Review status: criteria provided, single submitter. Criteria: Invitae Variant Classification Sherloc (09022015). Collection method: clinical testing. Allele origin: germline.
Comment: This sequence change replaces phenylalanine, which is neutral and non-polar, with tyrosine, which is neutral and polar, at codon 655 of the ACADVL protein (p.Phe655Tyr). This variant is present in population databases (rs377659973, gnomAD 0.003%). This variant has not been reported in the literature in individuals affected with ACADVL-related conditions. ClinVar contains an entry for this variant (Variation ID: 932826). Advanced modeling of protein sequence and biophysical properties (such as structural, functional, and spatial information, amino acid conservation, physicochemical variation, residue mobility, and thermodynamic stability) performed at Invitae indicates that this missense variant is expected to disrupt ACADVL protein function. In summary, the available evidence is currently insufficient to determine the role of this variant in disease. Therefore, it has been classified as a Variant of Uncertain Significance.

Wong Mito Lab, Molecular and Human Genetics, Baylor College of Medicine
Classification: Uncertain significance for Very long chain acyl-CoA dehydrogenase deficiency. Last evaluated: 2019-11-01. Review status: criteria provided, single submitter. Criteria: ACMG Guidelines, 2015. Collection method: clinical testing. Allele origin: germline.
Comment: The NM_000018.3:c.1964T>A (NP_000009.1:p.Phe655Tyr) [GRCH38: NC_000017.11:g.7225093T>A] variant in ACADVL gene is interpretated to be Uncertain Significance based on ACMG guidelines (PMID: 25741868). This variant has been reported. This variant meets the following evidence codes reported in the ACMG guidelines: BP4

Natera, Inc.
Classification: Uncertain significance for Very long chain acyl-CoA dehydrogenase deficiency. Last evaluated: 2021-04-30. Review status: no assertion criteria provided. Collection method: clinical testing. Allele origin: germline. Not counted in ClinVar's aggregate classification.

NM_000018.4(ACADVL):c.1964T>A (p.Phe655Tyr)

Gene: ACADVL (acyl-CoA dehydrogenase very long chain; plus strand). Cytogenetic location: 17p13.1.
Variant type: single nucleotide variant.
Coding change: c.1964T>A on transcript NM_000018.4 (MANE Select); coding-DNA position 1964, T replaced by A.
Protein change: p.Phe655Tyr; replaces phenylalanine 655 with tyrosine.
Molecular consequence: missense variant.
Genome position (GRCh38, 1-based): chr17:7,225,093, T>A. VCF-style: chr17-7225093-T-A. GRCh37 (hg19) VCF-style: chr17-7128412-T-A.
Other names: c.1898T>A, p.Phe633Tyr (NM_001033859.3); c.2033T>A, p.Phe678Tyr (NM_001270447.2); c.1736T>A, p.Phe579Tyr (NM_001270448.2); short protein forms F678Y, F579Y, F633Y, F655Y.
Identifiers: ClinVar variation 932826 (VCV000932826.10), dbSNP rs377659973, ClinGen allele CA287441508.